The following is an entry in ClinVar:

NM_182760.4(SUMF1):c.*11A>T

Gene: SUMF1 (sulfatase modifying factor 1; minus strand). Cytogenetic location: 3p26.1.
Variant type: single nucleotide variant.
Coding change: c.*11A>T on transcript NM_182760.4 (MANE Select); 11 bases downstream of the stop codon, A replaced by T.
Molecular consequence: 3 prime UTR variant.
Genome position (GRCh38, 1-based): chr3:4,362,133, T>A on the plus strand (A>T on the coding strand, the complement: SUMF1 is on the minus strand). VCF-style: chr3-4362133-T-A. GRCh37 (hg19) VCF-style: chr3-4403817-T-A.
Other names: c.*11A>T (NM_001164674.2, NM_001164675.2).
Identifiers: ClinVar variation 96558 (VCV000096558.22), dbSNP rs2633851, ClinGen allele CA149614.

ClinVar aggregate classification (germline): Benign. Review status: criteria provided, multiple submitters, no conflicts (2 of 4 stars). 10 submissions from 10 submitters: Benign (7). 3 of the submissions do not count toward it. Last evaluated 2024-11-26.

Conditions:
Multiple sulfatase deficiency (MSD). Also called: Mucosulfatidosis; Multiple Sulfatase Deficiency Disease; Sulfatidosis, Juvenile, Austin Type. Identifiers: Orphanet 585, MedGen C0268263, MONDO:0010088, OMIM 272200.

Allele frequency attached by ClinVar (database versions not stated): ESP Exome Variant Server 0.60280; TOPMed 0.64891; 1000 Genomes Project 30x 0.72408; 1000 Genomes Project 0.72684.
gnomAD v4.1: 934,965 of 1,611,076 alleles (58%); highest among the groups gnomAD compares: East Asian, 77%; 276,913 homozygotes.

Submissions (10):

Blueprint Genetics
Classification: Benign. Last evaluated: 2024-11-26. Review status: criteria provided, single submitter. Criteria: ACMG Guidelines, 2015. Collection method: clinical testing. Allele origin: germline.

Genome-Nilou Lab
Classification: Benign for Multiple sulfatase deficiency. Last evaluated: 2021-07-15. Review status: criteria provided, single submitter. Criteria: ACMG Guidelines, 2015. Collection method: clinical testing. Allele origin: germline. Affected: no.

Illumina Laboratory Services, Illumina
Classification: Benign for Multiple sulfatase deficiency. Last evaluated: 2018-01-13. Review status: criteria provided, single submitter. Criteria: ICSL Variant Classification Criteria 13 December 2019. Collection method: clinical testing. Allele origin: germline.
Comment: This variant was observed in the ICSL laboratory as part of a predisposition screen in an ostensibly healthy population. It had not been previously curated by ICSL or reported in the Human Gene Mutation Database (HGMD: prior to June 1st, 2018), and was therefore a candidate for classification through an automated scoring system. Utilizing variant allele frequency, disease prevalence and penetrance estimates, and inheritance mode, an automated score was calculated to assess if this variant is too frequent to cause the disease. Based on the score and internal cut-off values, a variant classified as benign is not then subjected to further curation. The score for this variant resulted in a classification of benign for this disease.

GeneDx
Classification: Benign. Last evaluated: 2015-03-03. Review status: criteria provided, single submitter. Criteria: GeneDx Variant Classification Process June 2021. Collection method: clinical testing. Allele origin: germline. Affected: yes.

Eurofins Ntd Llc (ga)
Classification: Benign. Last evaluated: 2013-04-26. Review status: criteria provided, single submitter. Criteria: EGL Classification Definitions 2015. Collection method: clinical testing. Allele origin: germline. Observed: 4 variant alleles, 3 heterozygotes, 1 homozygote.

Breakthrough Genomics
Classification: Benign. Review status: criteria provided, single submitter. Criteria: ACMG Guidelines, 2015. Collection method: not provided. Allele origin: germline. Inheritance: Autosomal recessive inheritance. Affected: yes.

PreventionGenetics, part of Exact Sciences
Classification: Benign. Review status: criteria provided, single submitter. Criteria: ACMG Guidelines, 2015. Collection method: clinical testing. Allele origin: germline.

Mayo Clinic Laboratories, Mayo Clinic
Classification: Benign. Last evaluated: 2015-12-15. Review status: no assertion criteria provided. Collection method: clinical testing. Allele origin: unknown. Not counted in ClinVar's aggregate classification.

Diagnostic Laboratory, Department of Genetics, University Medical Center Groningen
Classification: Benign. Review status: no assertion criteria provided. Collection method: clinical testing. Allele origin: germline. Affected: yes. Study: VKGL Data-share Consensus. Not counted in ClinVar's aggregate classification.

Joint Genome Diagnostic Labs from Nijmegen and Maastricht, Radboudumc and MUMC+
Classification: Benign. Review status: no assertion criteria provided. Collection method: clinical testing. Allele origin: germline. Affected: yes. Study: VKGL Data-share Consensus. Not counted in ClinVar's aggregate classification.